The following is an entry in ClinVar:

ClinVar aggregate classification (germline): Uncertain significance (1 of 4 stars; one submission).

Conditions:
Inborn genetic diseases. Identifiers: MedGen C0950123, MeSH D030342.

Submission:

Ambry Genetics
Classification: Uncertain significance for Inborn genetic diseases. Last evaluated: 2025-12-08. Review status: criteria provided, single submitter. Criteria: Ambry Variant Classification Scheme 2023. Collection method: clinical testing. Allele origin: germline.
Comment: The p.K1365T variant (also known as c.4094A>C), located in coding exon 14 of the FANCM gene, results from an A to C substitution at nucleotide position 4094. The lysine at codon 1365 is replaced by threonine, an amino acid with similar properties. This amino acid position is conserved. In addition, this alteration is predicted to be tolerated by in silico analysis. Based on the available evidence, the clinical significance of this variant remains unclear.

NM_020937.4(FANCM):c.4094A>C (p.Lys1365Thr)

Gene: FANCM (FA complementation group M; plus strand). Cytogenetic location: 14q21.2.
Variant type: single nucleotide variant.
Coding change: c.4094A>C on transcript NM_020937.4 (MANE Select); coding-DNA position 4094, A replaced by C.
Protein change: p.Lys1365Thr; replaces lysine 1365 with threonine.
Molecular consequence: missense variant.
Genome position (GRCh38, 1-based): chr14:45,176,848, A>C. VCF-style: chr14-45176848-A-C. GRCh37 (hg19) VCF-style: chr14-45646051-A-C.
Other names: c.4016A>C, p.Lys1339Thr (NM_001308133.2); short protein forms K1365T, K1339T.
Identifiers: ClinVar variation 4619633 (VCV004619633.1).